The following is an entry in ClinVar:

ClinVar aggregate classification (germline): Benign. Review status: criteria provided, single submitter (1 of 4 stars). 2 submissions from 1 submitter: Benign (2). Last evaluated 2018-01-13.

Conditions:
Hypophosphatemic rickets, autosomal recessive, 2 (ARHR2). Identifiers: Orphanet 289176, MedGen C2750078, MONDO:0013219, OMIM 613312.
Arterial calcification, generalized, of infancy, 1 (GACI1). Also called: Idiopathic Infantile Arterial Calcification. Identifiers: Orphanet 51608, MedGen C4551985, MONDO:0008817, OMIM 208000.

Allele frequency attached by ClinVar (database versions not stated): gnomAD 0.00777 and 0.00820; TOPMed 0.00857; 1000 Genomes Project 0.00938; 1000 Genomes Project 30x 0.01046.

Submissions (2):

Illumina Laboratory Services, Illumina
Classification: Benign for Arterial calcification, generalized, of infancy, 1. Last evaluated: 2018-01-13. Review status: criteria provided, single submitter. Criteria: ICSL Variant Classification Criteria 13 December 2019. Collection method: clinical testing. Allele origin: germline.
Comment: This variant was observed in the ICSL laboratory as part of a predisposition screen in an ostensibly healthy population. It had not been previously curated by ICSL or reported in the Human Gene Mutation Database (HGMD: prior to June 1st, 2018), and was therefore a candidate for classification through an automated scoring system. Utilizing variant allele frequency, disease prevalence and penetrance estimates, and inheritance mode, an automated score was calculated to assess if this variant is too frequent to cause the disease. Based on the score and internal cut-off values, a variant classified as benign is not then subjected to further curation. The score for this variant resulted in a classification of benign for this disease.

Illumina Laboratory Services, Illumina
Classification: Benign for Hypophosphatemic rickets, autosomal recessive, 2. Last evaluated: 2018-01-13. Review status: criteria provided, single submitter. Criteria: ICSL Variant Classification Criteria 13 December 2019. Collection method: clinical testing. Allele origin: germline.
Comment: the same text as in the submission from Illumina Laboratory Services, Illumina above.

NM_006208.3(ENPP1):c.*4248G>A

Gene: ENPP1 (ectonucleotide pyrophosphatase/phosphodiesterase 1; plus strand). Cytogenetic location: 6q23.2.
Variant type: single nucleotide variant.
Coding change: c.*4248G>A on transcript NM_006208.3 (MANE Select); 4248 bases downstream of the stop codon, G replaced by A.
Molecular consequence: 3 prime UTR variant.
Genome position (GRCh38, 1-based): chr6:131,894,759, G>A. VCF-style: chr6-131894759-G-A. GRCh37 (hg19) VCF-style: chr6-132215899-G-A.
Identifiers: ClinVar variation 355429 (VCV000355429.5), dbSNP rs150587148, ClinGen allele CA10622975.